The following is an entry in ClinVar:

NM_004944.4(DNASE1L3):c.251C>T (p.Thr84Met)

Gene: DNASE1L3 (deoxyribonuclease 1L3; minus strand). Cytogenetic location: 3p14.3.
Variant type: single nucleotide variant.
Coding change: c.251C>T on transcript NM_004944.4 (MANE Select); coding-DNA position 251, C replaced by T.
Protein change: p.Thr84Met; replaces threonine 84 with methionine.
Molecular consequence: missense variant. On other transcripts: intron variant (1).
Genome position (GRCh38, 1-based): chr3:58,205,540, G>A on the plus strand (C>T on the coding strand, the complement: DNASE1L3 is on the minus strand). VCF-style: chr3-58205540-G-A. GRCh37 (hg19) VCF-style: chr3-58191267-G-A.
Other names: c.231-659C>T (NM_001256560.2); c.251C>T (NM_004944.2); short protein forms T84M.
Identifiers: ClinVar variation 1506806 (VCV001506806.6), dbSNP rs778293446, ClinGen allele CA2470068.

ClinVar aggregate classification (germline): Uncertain significance. Review status: criteria provided, multiple submitters, no conflicts (2 of 4 stars). 2 submissions from 2 submitters: Uncertain significance (2). Last evaluated 2024-10-04.

Conditions:
Inborn genetic diseases. Identifiers: MedGen C0950123, MeSH D030342.

Allele frequency attached by ClinVar (database versions not stated): gnomAD 0.00001; gnomAD exomes 0.00001 and 0.00006; ExAC 0.00006.
gnomAD v4.1: 21 of 1,613,728 alleles (0.0013%); highest among the groups gnomAD compares: Admixed American, 0.023%; no homozygotes.

Submissions (2):

Ambry Genetics
Classification: Uncertain significance for Inborn genetic diseases. Last evaluated: 2024-10-04. Review status: criteria provided, single submitter. Criteria: Ambry Variant Classification Scheme 2023. Collection method: clinical testing. Allele origin: germline.

Labcorp Genetics (formerly Invitae), Labcorp
Classification: Uncertain significance. Last evaluated: 2021-09-08. Review status: criteria provided, single submitter. Criteria: Invitae Variant Classification Sherloc (09022015). Collection method: clinical testing. Allele origin: germline.
Comment: This sequence change replaces threonine with methionine at codon 84 of the DNASE1L3 protein (p.Thr84Met). The threonine residue is moderately conserved and there is a moderate physicochemical difference between threonine and methionine. This variant is present in population databases (rs778293446, ExAC 0.06%). This variant has not been reported in the literature in individuals affected with DNASE1L3-related conditions. Algorithms developed to predict the effect of missense changes on protein structure and function output the following: SIFT: "Tolerated"; PolyPhen-2: "Benign"; Align-GVGD: "Class C0". The methionine amino acid residue is found in multiple mammalian species, which suggests that this missense change does not adversely affect protein function. In summary, the available evidence is currently insufficient to determine the role of this variant in disease. Therefore, it has been classified as a Variant of Uncertain Significance.